The following is an entry in ClinVar:

ClinVar aggregate classification (germline): Likely pathogenic (1 of 4 stars; one submission).

Conditions:
TUBA1A-related disorder. Also called: TUBA1A-related condition.

Submission:

PreventionGenetics, part of Exact Sciences
Classification: Likely pathogenic for TUBA1A-related condition. Last evaluated: 2022-11-22. Review status: criteria provided, single submitter. Criteria: ACMG Guidelines, 2015. Collection method: clinical testing. Allele origin: germline.
Comment: The TUBA1A c.1013A>T variant is predicted to result in the amino acid substitution p.Lys338Met. To our knowledge, this variant has not been reported in the literature or in a large population database, indicating this variant is rare. This variant is interpreted as likely pathogenic.

NM_006009.4(TUBA1A):c.1013A>T (p.Lys338Met)

Gene: TUBA1A (tubulin alpha 1a; minus strand). Cytogenetic location: 12q13.12.
Variant type: single nucleotide variant.
Coding change: c.1013A>T on transcript NM_006009.4 (MANE Select); coding-DNA position 1013, A replaced by T.
Protein change: p.Lys338Met; replaces lysine 338 with methionine.
Molecular consequence: missense variant.
Genome position (GRCh38, 1-based): chr12:49,185,353, T>A on the plus strand (A>T on the coding strand, the complement: TUBA1A is on the minus strand). VCF-style: chr12-49185353-T-A. GRCh37 (hg19) VCF-style: chr12-49579136-T-A.
Other names: c.1013A>T, p.Lys338Met (NM_001270399.2); c.908A>T, p.Lys303Met (NM_001270400.2); short protein forms K303M, K338M.
Identifiers: ClinVar variation 2636987 (VCV002636987.1), dbSNP rs2498859689, ClinGen allele CA384637171.